The following is an entry in ClinVar:

NM_173728.4(ARHGEF15):c.1561T>C (p.Tyr521His)

Gene: ARHGEF15 (Rho guanine nucleotide exchange factor 15; plus strand). Cytogenetic location: 17p13.1.
Variant type: single nucleotide variant.
Coding change: c.1561T>C on transcript NM_173728.4 (MANE Select); coding-DNA position 1561, T replaced by C.
Protein change: p.Tyr521His; replaces tyrosine 521 with histidine.
Molecular consequence: missense variant.
Genome position (GRCh38, 1-based): chr17:8,315,894, T>C. VCF-style: chr17-8315894-T-C. GRCh37 (hg19) VCF-style: chr17-8219212-T-C.
Other names: c.1561T>C, p.Tyr521His (NM_025014.2); short protein forms Y521H.
Identifiers: ClinVar variation 4728796 (VCV004728796.1).

ClinVar aggregate classification (germline): Uncertain significance (1 of 4 stars; one submission).

Conditions:
Early-infantile DEE. Also called: Early infantile epileptic encephalopathy; Early infantile epileptic encephalopathy with suppression bursts; Ohtahara syndrome. Identifiers: Orphanet 1934, MedGen C0393706, MONDO:0800491.

Submission:

Labcorp Genetics (formerly Invitae), Labcorp
Classification: Uncertain significance for Early-infantile DEE. Last evaluated: 2026-01-22. Review status: criteria provided, single submitter. Criteria: Invitae Variant Classification Sherloc (09022015). Collection method: clinical testing. Allele origin: germline.
Comment: This sequence change replaces tyrosine, which is neutral and polar, with histidine, which is basic and polar, at codon 521 of the ARHGEF15 protein (p.Tyr521His). This variant is not present in population databases (gnomAD no frequency). This variant has not been reported in the literature in individuals affected with ARHGEF15-related conditions. An algorithm developed to predict the effect of missense changes on protein structure and function (PolyPhen-2) suggests that this variant is likely to be disruptive. In summary, the available evidence is currently insufficient to determine the role of this variant in disease. Therefore, it has been classified as a Variant of Uncertain Significance.